The following is an entry in ClinVar:

NM_017763.6(RNF43):c.1578G>T (p.Val526=)

Gene: RNF43 (ring finger protein 43; minus strand). Cytogenetic location: 17q22.
Variant type: single nucleotide variant.
Coding change: c.1578G>T on transcript NM_017763.6 (MANE Select); coding-DNA position 1578, G replaced by T.
Protein change: p.Val526=; no amino-acid change (valine 526 retained).
Molecular consequence: synonymous variant.
Genome position (GRCh38, 1-based): chr17:58,358,198, C>A on the plus strand (G>T on the coding strand, the complement: RNF43 is on the minus strand). VCF-style: chr17-58358198-C-A. GRCh37 (hg19) VCF-style: chr17-56435559-C-A.
Other names: c.1578G>T, p.Val526= (NM_001305544.3, NM_001438820.1, NM_001438821.1 and 1 more transcripts); c.1197G>T, p.Val399= (NM_001305545.2, NM_001437987.1).
Identifiers: ClinVar variation 5042419 (VCV005042419.1).

ClinVar aggregate classification (germline): Benign (1 of 4 stars; one submission).

Conditions:
Sessile serrated polyposis cancer syndrome (SSPCS). Identifiers: Orphanet 157798, MedGen C4310714, MONDO:0014919, OMIM 617108.

Submission:

Myriad Genetics, Inc.
Classification: Benign for Sessile serrated polyposis cancer syndrome. Last evaluated: 2026-07-02. Review status: criteria provided, single submitter. Criteria: Myriad Autosomal Dominant, Autosomal Recessive and X-Linked Classification Criteria (2023). Collection method: clinical testing. Allele origin: unknown.
Comment: This variant is considered benign. This variant is a silent/synonymous amino acid change and it is not expected to impact splicing.